The following is an entry in ClinVar:

NM_001378454.1(ALMS1):c.11554A>T (p.Asn3852Tyr)

Gene: ALMS1 (ALMS1 centrosome and basal body associated protein; plus strand). Cytogenetic location: 2p13.1.
Variant type: single nucleotide variant.
Coding change: c.11554A>T on transcript NM_001378454.1 (MANE Select); coding-DNA position 11554, A replaced by T.
Protein change: p.Asn3852Tyr; replaces asparagine 3852 with tyrosine.
Molecular consequence: missense variant.
Genome position (GRCh38, 1-based): chr2:73,599,407, A>T. VCF-style: chr2-73599407-A-T. GRCh37 (hg19) VCF-style: chr2-73826534-A-T.
Other names: c.11557A>T, p.Asn3853Tyr (NM_015120.4); short protein forms N3852Y, N3853Y.
Identifiers: ClinVar variation 1425959 (VCV001425959.6), dbSNP rs753182165, ClinGen allele CA1715245.

ClinVar aggregate classification (germline): Conflicting classifications of pathogenicity. Review status: criteria provided, conflicting classifications (1 of 4 stars). 3 submissions from 3 submitters: Uncertain significance (2); Likely benign (1). Last evaluated 2024-08-13.

Conditions:
Cardiovascular phenotype. Identifiers: MedGen CN230736.
Alstrom syndrome (ALMS). Identifiers: Orphanet 64, MedGen C0268425, MONDO:0008763, OMIM 203800.

Allele frequency attached by ClinVar (database versions not stated): ExAC 0.00001; gnomAD 0.00001; gnomAD exomes 0.00001 and 0.00002; TOPMed 0.00002.
gnomAD v4.1: 12 of 1,612,966 alleles (0.00074%); highest among the groups gnomAD compares: East Asian, 0.025%; no homozygotes.

Submissions (3):

Labcorp Genetics (formerly Invitae), Labcorp
Classification: Uncertain significance for Alstrom syndrome. Last evaluated: 2024-08-13. Review status: criteria provided, single submitter. Criteria: Invitae Variant Classification Sherloc (09022015). Collection method: clinical testing. Allele origin: germline.
Comment: This sequence change replaces asparagine, which is neutral and polar, with tyrosine, which is neutral and polar, at codon 3853 of the ALMS1 protein (p.Asn3853Tyr). This variant is present in population databases (rs753182165, gnomAD 0.03%). This variant has not been reported in the literature in individuals affected with ALMS1-related conditions. ClinVar contains an entry for this variant (Variation ID: 1425959). Experimental studies and prediction algorithms are not available or were not evaluated, and the functional significance of this variant is currently unknown. In summary, the available evidence is currently insufficient to determine the role of this variant in disease. Therefore, it has been classified as a Variant of Uncertain Significance.

Ambry Genetics
Classification: Likely benign for Cardiovascular phenotype. Last evaluated: 2024-05-09. Review status: criteria provided, single submitter. Criteria: Ambry Variant Classification Scheme 2023. Collection method: clinical testing. Allele origin: germline.

Blueprint Genetics
Classification: Uncertain significance. Last evaluated: 2020-09-24. Review status: criteria provided, single submitter. Criteria: ACMG Guidelines, 2015. Collection method: clinical testing. Allele origin: germline.